The following is an entry in ClinVar:

ClinVar aggregate classification (germline): Pathogenic/Likely pathogenic. Review status: criteria provided, multiple submitters, no conflicts (2 of 4 stars). 3 submissions from 3 submitters: Pathogenic (1); Likely pathogenic (2). Last evaluated 2025-10-20.

Conditions:
Anauxetic dysplasia. Identifiers: Orphanet 93347, MedGen C1846796, MONDO:0011773.
Metaphyseal chondrodysplasia, McKusick type (CHH). Also called: Cartilage-hair hypoplasia; Cartilage-Hair Hypoplasia (CHH). Identifiers: Orphanet 175, MedGen C0220748, MONDO:0009595, OMIM 250250.

Allele frequency attached by ClinVar (database versions not stated): gnomAD exomes below 0.00001.

Submissions (3):

Natera, Inc.
Classification: Likely pathogenic for Cartilage-hair hypoplasia. Last evaluated: 2025-10-20. Review status: criteria provided, single submitter. Criteria: Natera Variant Classification Schema (03/2026). Collection method: clinical testing. Allele origin: germline.
Comment: The n.-20_-14dupCTCTGTG variant in RMRP is a duplication affecting the RMRP promoter region between the TATA box and the transcription initiation site. Other duplications and insertions just upstream of the transcription initiation site have been reported in individuals affected with cartilage-hair hypoplasia (PMID: 11207361, 17937437). This variant is rare in the general population with a frequency below the threshold expected for the associated phenotype(s). Given the available evidence, this variant is classified as Likely pathogenic.

Women's Health and Genetics/Laboratory Corporation of America, LabCorp
Classification: Likely pathogenic for Metaphyseal chondrodysplasia, McKusick type. Last evaluated: 2024-06-27. Review status: criteria provided, single submitter. Criteria: LabCorp Variant Classification Summary - May 2015. Collection method: clinical testing. Allele origin: germline.
Comment: Variant summary: RMRP n.-20_-14dupCTCTGTG is located in the promoter region of the RMRP gene which is located between the TATA box (at position -33 to -25) and the transcription initiation site (at +1). Other insertions or duplications in the promoter region of RMRP have been classified as pathogenic (internally and in ClinVar). The variant was absent in 127922 control chromosomes (gnomAD). To our knowledge, no occurrence of n.-20_-14dupCTCTGTG in individuals affected with Cartilage-Hair Hypoplasia and no experimental evidence demonstrating its functional impact have been reported. Many other insertions or duplications in the promoter region of RMRP have been reported in affected individuals in the literature (e.g. PMIDs: 21956908, 21396580) and have been demonstrated through functional studies to lead to reduced RMRP transcription (e.g. PMIDs: 11207361, 16254002). ClinVar contains an entry for this variant (Variation ID: 2018263). Based on the evidence outlined above, the variant was classified as likely pathogenic.

Labcorp Genetics (formerly Invitae), Labcorp
Classification: Pathogenic for Anauxetic dysplasia. Last evaluated: 2022-07-19. Review status: criteria provided, single submitter. Criteria: Invitae Variant Classification Sherloc (09022015). Collection method: clinical testing. Allele origin: germline.
Comment: While functional studies for this variant have not been reported, experimental analyses using patient derived cells, as well as in vitro transfection studies, have shown that promoter insertions result in silencing of RMRP transcription and reduced expression of the gene product (PMID: 11207361, 16254002). For these reasons, this variant has been classified as Pathogenic. While this particular variant has not been reported in the literature, it is located in the promoter region between the TATA box and the transcription initiation site, and other insertions and duplications immediately upstream of the coding sequence have been reported in individuals affected with cartilage-hair hypoplasia-anauxetic dysplasia (CHH-AD) spectrum disorders (PMID: 16244706, 11207361, 12107819). This variant is not present in population databases (gnomAD no frequency). This variant occurs in the RMRP gene, which encodes an RNA molecule that does not result in a protein product.

Literature cited by the submitters: PubMed 11207361 (cited by Natera, Inc. and Labcorp Genetics (formerly Invitae), Labcorp); PubMed 17937437 (cited by Natera, Inc.); PubMed 16254002 (cited by Labcorp Genetics (formerly Invitae), Labcorp); PubMed 16244706 (cited by Labcorp Genetics (formerly Invitae), Labcorp); PubMed 12107819 (cited by Labcorp Genetics (formerly Invitae), Labcorp).

NR_003051.3(RMRP):n.-20_-14dupCTCTGTG

Gene: RMRP (RNA component of mitochondrial RNA processing endoribonuclease; minus strand). Cytogenetic location: 9p13.3.
Variant type: Duplication.
Genome position: GRCh38 VCF-style: chr9-35658031-T-TCACAGAG. GRCh37 (hg19) VCF-style: chr9-35658028-T-TCACAGAG.
Identifiers: ClinVar variation 2018263 (VCV002018263.5), dbSNP rs2490604150, ClinGen allele CA2580080478.
Genomic context (GRCh38, chr9:35,658,031, plus strand): 5'-ACAGAGTCCTCAGTGTGTAGCCTAGGATACAGGCCTTCAGCACGAACCACGTCCTCAGCT[T>TCACAGAG]CACAGAGTAGTATTTTATAGCCCTAAAGAAATTGTGTTTTATGATTAGGGTGAGAAAGTT-3'